The following is an entry in ClinVar:

NM_182914.3(SYNE2):c.16856A>T (p.Asp5619Val)

Gene: SYNE2 (spectrin repeat containing nuclear envelope protein 2; plus strand). Cytogenetic location: 14q23.2.
Variant type: single nucleotide variant.
Coding change: c.16856A>T on transcript NM_182914.3 (MANE Select); coding-DNA position 16856, A replaced by T.
Protein change: p.Asp5619Val; replaces aspartic acid 5619 with valine.
Molecular consequence: missense variant.
Genome position (GRCh38, 1-based): chr14:64,167,590, A>T. VCF-style: chr14-64167590-A-T. GRCh37 (hg19) VCF-style: chr14-64634308-A-T.
Other names: c.16856A>T, p.Asp5619Val (NM_015180.6); short protein forms D5619V.
Identifiers: ClinVar variation 4798760 (VCV004798760.1).

ClinVar aggregate classification (germline): Uncertain significance (1 of 4 stars; one submission).

Conditions:
Emery-Dreifuss muscular dystrophy 5, autosomal dominant (EDMD5). Also called: EMERY-DREIFUSS MUSCULAR DYSTROPHY 5. Identifiers: Orphanet 261, MedGen C2751805, MONDO:0013072, OMIM 612999.

gnomAD v4.1: 1 of 1,614,228 alleles (0.000062%); highest among the groups gnomAD compares: South Asian, 0.0011%; no homozygotes.

Submission:

Labcorp Genetics (formerly Invitae), Labcorp
Classification: Uncertain significance for Emery-Dreifuss muscular dystrophy 5, autosomal dominant. Last evaluated: 2025-03-07. Review status: criteria provided, single submitter. Criteria: Invitae Variant Classification Sherloc (09022015). Collection method: clinical testing. Allele origin: germline.
Comment: This sequence change replaces aspartic acid, which is acidic and polar, with valine, which is neutral and non-polar, at codon 5619 of the SYNE2 protein (p.Asp5619Val). This variant is not present in population databases (gnomAD no frequency). This variant has not been reported in the literature in individuals affected with SYNE2-related conditions. An algorithm developed to predict the effect of missense changes on protein structure and function (PolyPhen-2) suggests that this variant is likely to be tolerated. In summary, the available evidence is currently insufficient to determine the role of this variant in disease. Therefore, it has been classified as a Variant of Uncertain Significance.